The following is an entry in ClinVar:

ClinVar aggregate classification (germline): Benign/Likely benign. Review status: criteria provided, multiple submitters, no conflicts (2 of 4 stars). 5 submissions from 5 submitters: Benign (1); Likely benign (3). 1 of the submissions does not count toward it. Last evaluated 2026-07-01.

Conditions:
Epidermolysis bullosa simplex. Also called: Epidermolysis bullosa simplex, Weber-Cockayne type (subtype); Epidermolysis bullosa simplex, Dowling-Meara type (subtype); Epidermolysis bullosa simplex with mottled pigmentation (subtype). Identifiers: Orphanet 304, MedGen C0079298, MONDO:0017610.
KRT5-related disorder. Also called: KRT5-related condition.

Allele frequency attached by ClinVar (database versions not stated): 1000 Genomes Project 0.00040; 1000 Genomes Project 30x 0.00047; gnomAD exomes 0.00062; ExAC 0.00064; gnomAD 0.00067 and 0.00069; TOPMed 0.00072; ESP Exome Variant Server 0.00085.

Submissions (5):

CeGaT Center for Human Genetics Tuebingen
Classification: Likely benign. Last evaluated: 2026-07-01. Review status: criteria provided, single submitter. Criteria: CeGaT Center For Human Genetics Tuebingen Variant Classification Criteria Version 2. Collection method: clinical testing. Allele origin: germline. Affected: yes. Observed: 3 variant alleles.
Comment: KRT5: BP4, BP7

Labcorp Genetics (formerly Invitae), Labcorp
Classification: Benign. Last evaluated: 2025-12-11. Review status: criteria provided, single submitter. Criteria: Invitae Variant Classification Sherloc (09022015). Collection method: clinical testing. Allele origin: germline.

Blueprint Genetics
Classification: Likely benign. Last evaluated: 2024-11-21. Review status: criteria provided, single submitter. Criteria: ACMG Guidelines, 2015. Collection method: clinical testing. Allele origin: germline.

Illumina Laboratory Services, Illumina
Classification: Likely benign for Epidermolysis bullosa simplex. Last evaluated: 2017-04-27. Review status: criteria provided, single submitter. Criteria: ICSL Variant Classification Criteria 13 December 2019. Collection method: clinical testing. Allele origin: germline.
Comment: This variant was observed as part of a predisposition screen in an ostensibly healthy population. A literature search was performed for the gene, cDNA change, and amino acid change (where applicable). No publications were found based on this search. Allele frequency data from public databases allowed determination this variant is unlikely to cause disease. Therefore, this variant is classified as likely benign.

PreventionGenetics, part of Exact Sciences
Classification: Likely benign for KRT5-related condition. Last evaluated: 2024-06-17. Review status: no assertion criteria provided. Collection method: clinical testing. Allele origin: germline. Not counted in ClinVar's aggregate classification.
Comment: This variant is classified as likely benign based on ACMG/AMP sequence variant interpretation guidelines (Richards et al. 2015 PMID: 25741868, with internal and published modifications).

NM_000424.4(KRT5):c.381C>T (p.Phe127=)

Gene: KRT5 (keratin 5; minus strand). Cytogenetic location: 12q13.13.
Variant type: single nucleotide variant.
Coding change: c.381C>T on transcript NM_000424.4 (MANE Select); coding-DNA position 381, C replaced by T.
Protein change: p.Phe127=; no amino-acid change (phenylalanine 127 retained).
Molecular consequence: synonymous variant.
Genome position (GRCh38, 1-based): chr12:52,519,916, G>A on the plus strand (C>T on the coding strand, the complement: KRT5 is on the minus strand). VCF-style: chr12-52519916-G-A. GRCh37 (hg19) VCF-style: chr12-52913700-G-A.
Identifiers: ClinVar variation 309567 (VCV000309567.44), dbSNP rs150390099, ClinGen allele CA6582850.